The following is an entry in ClinVar:

ClinVar aggregate classification (germline): Uncertain significance (1 of 4 stars; one submission).

Conditions:
Hereditary cancer-predisposing syndrome. Also called: Neoplastic Syndromes, Hereditary; Tumor predisposition; Hereditary Cancer Syndrome; Hereditary neoplastic syndrome. Identifiers: Orphanet 140162, MedGen C0027672, MeSH D009386, MONDO:0015356.

Allele frequency attached by ClinVar (database versions not stated): gnomAD exomes below 0.00001.
gnomAD v4.1: 2 of 1,613,788 alleles (0.00012%); highest among the groups gnomAD compares: East Asian, 0.0045%; no homozygotes.

Submission:

Ambry Genetics
Classification: Uncertain significance for Hereditary cancer-predisposing syndrome. Last evaluated: 2021-10-19. Review status: criteria provided, single submitter. Criteria: Ambry Variant Classification Scheme 2023. Collection method: clinical testing. Allele origin: germline.
Comment: The p.S213C variant (also known as c.638C>G), located in coding exon 3 of the XRCC2 gene, results from a C to G substitution at nucleotide position 638. The serine at codon 213 is replaced by cysteine, an amino acid with dissimilar properties. This amino acid position is conserved. In addition, this alteration is predicted to be tolerated by in silico analysis. Since supporting evidence is limited at this time, the clinical significance of this alteration remains unclear.

NM_005431.2(XRCC2):c.638C>G (p.Ser213Cys)

Gene: XRCC2 (X-ray repair cross complementing 2; minus strand). Cytogenetic location: 7q36.1.
Variant type: single nucleotide variant.
Coding change: c.638C>G on transcript NM_005431.2 (MANE Select); coding-DNA position 638, C replaced by G.
Protein change: p.Ser213Cys; replaces serine 213 with cysteine.
Molecular consequence: missense variant.
Genome position (GRCh38, 1-based): chr7:152,648,847, G>C on the plus strand (C>G on the coding strand, the complement: XRCC2 is on the minus strand). VCF-style: chr7-152648847-G-C. GRCh37 (hg19) VCF-style: chr7-152345932-G-C.
Other names: short protein forms S213C.
Identifiers: ClinVar variation 1753214 (VCV001753214.2), dbSNP rs2485880764, ClinGen allele CA370198267.
Genomic context (GRCh38, chr7:152,648,847, plus strand): 5'-TGCTGCCATGCCTTACAGAGATAAGGTCTGTAGTCTATGTCCACATCACACAGTCGTCGA[G>C]AGGCATGAGAAGGTTCTTCTGATGAGCTCGAGGCTTTCTGCATTATAGTTTGTGTCGTTG-3'
Protein context (NP_005422.1, residues 203-223): SSSSEEPSHA[Ser213Cys]RRLCDVDIDY